The following is an entry in ClinVar:

ClinVar aggregate classification (germline): Uncertain significance (1 of 4 stars; one submission).

Conditions:
Hereditary breast ovarian cancer syndrome. Also called: Breast and ovarian cancer; BRCA1- and BRCA2-Associated Hereditary Breast and Ovarian Cancer; Hereditary breast and ovarian cancer; Hereditary breast and ovarian cancer syndrome (HBOC); Hereditary breast and/or ovarian cancer syndrome; Hereditary breast and ovarian cancer syndrome. Identifiers: Orphanet 145, MedGen C0677776, MeSH D061325, MONDO:0003582. Disease mechanism: loss of function.

Submission:

Labcorp Genetics (formerly Invitae), Labcorp
Classification: Uncertain significance for Hereditary breast ovarian cancer syndrome. Last evaluated: 2018-12-12. Review status: criteria provided, single submitter. Criteria: Invitae Variant Classification Sherloc (09022015). Collection method: clinical testing. Allele origin: germline.
Comment: Algorithms developed to predict the effect of sequence changes on RNA splicing suggest that this variant may create or strengthen a splice site, but this prediction has not been confirmed by published transcriptional studies. Algorithms developed to predict the effect of missense changes on protein structure and function output the following: SIFT: "Tolerated"; PolyPhen-2: "Benign"; Align-GVGD: "Class C0". The glycine amino acid residue is found in multiple mammalian species, suggesting that this missense change does not adversely affect protein function. These predictions have not been confirmed by published functional studies and their clinical significance is uncertain. This variant has not been reported in the literature in individuals with BRCA1-related conditions. This variant is not present in population databases (ExAC no frequency). This sequence change replaces aspartic acid with glycine at codon 1505 of the BRCA1 protein (p.Asp1505Gly). The aspartic acid residue is weakly conserved and there is a moderate physicochemical difference between aspartic acid and glycine. In summary, the available evidence is currently insufficient to determine the role of this variant in disease. Therefore, it has been classified as a Variant of Uncertain Significance.

NM_007294.4(BRCA1):c.4514A>G (p.Asp1505Gly)

Gene: BRCA1 (BRCA1 DNA repair associated; minus strand). Cytogenetic location: 17q21.31.
Variant type: single nucleotide variant.
Coding change: c.4514A>G on transcript NM_007294.4 (MANE Select); coding-DNA position 4514, A replaced by G.
Protein change: p.Asp1505Gly; replaces aspartic acid 1505 with glycine.
Molecular consequence: missense variant. On other transcripts: non-coding transcript variant (1).
Genome position (GRCh38, 1-based): chr17:43,074,492, T>C on the plus strand (A>G on the coding strand, the complement: BRCA1 is on the minus strand). VCF-style: chr17-43074492-T-C. GRCh37 (hg19) VCF-style: chr17-41226509-T-C.
Other names: c.1001A>G, p.Asp334Gly (NM_001408476.1, NM_001408475.1); c.995A>G, p.Asp332Gly (NM_001408478.1, NM_001408479.1, NM_001408480.1); c.992A>G, p.Asp331Gly (NM_001408485.1, NM_001408489.1, NM_001408490.1 and 5 more transcripts); c.989A>G, p.Asp330Gly (NM_001408492.1, NM_001408493.1); c.965A>G, p.Asp322Gly (NM_001408494.1); c.959A>G, p.Asp320Gly (NM_001408495.1); c.941A>G, p.Asp314Gly (NM_001408496.1, NM_001408497.1, NM_001408498.1 and 3 more transcripts); c.938A>G, p.Asp313Gly (NM_001408502.1, NM_001408503.1, NM_001408504.1); and 68 more; short protein forms D1505G, D401G, D1526G, D1458G, D1336G, D1378G, D1394G, D1436G.
Identifiers: ClinVar variation 650220 (VCV000650220.10), dbSNP rs1567778319, ClinGen allele CA10592499.